The following is an entry in ClinVar:

ClinVar aggregate classification (germline): Uncertain significance (1 of 4 stars; one submission).

Submission:

GeneDx
Classification: Uncertain significance. Last evaluated: 2022-04-12. Review status: criteria provided, single submitter. Criteria: GeneDx Variant Classification Process June 2021. Collection method: clinical testing. Allele origin: germline. Affected: yes.
Comment: Not observed at significant frequency in large population cohorts (gnomAD); In silico analysis supports that this missense variant has a deleterious effect on protein structure/function; Has not been previously published as pathogenic or benign to our knowledge

NM_030665.4(RAI1):c.1288C>T (p.Leu430Phe)

Gene: RAI1 (retinoic acid induced 1; plus strand). Cytogenetic location: 17p11.2.
Variant type: single nucleotide variant.
Coding change: c.1288C>T on transcript NM_030665.4 (MANE Select); coding-DNA position 1288, C replaced by T.
Protein change: p.Leu430Phe; replaces leucine 430 with phenylalanine.
Molecular consequence: missense variant.
Genome position (GRCh38, 1-based): chr17:17,794,236, C>T. VCF-style: chr17-17794236-C-T. GRCh37 (hg19) VCF-style: chr17-17697550-C-T.
Other names: short protein forms L430F.
Identifiers: ClinVar variation 1678676 (VCV001678676.2), dbSNP rs2143001887, ClinGen allele CA398547383.